The following is an entry in ClinVar:

NM_001201543.2(FAM161A):c.*300T>C

Gene: FAM161A (FAM161 centrosomal protein A; minus strand). Cytogenetic location: 2p15.
Variant type: single nucleotide variant.
Coding change: c.*300T>C on transcript NM_001201543.2 (MANE Select); 300 bases downstream of the stop codon, T replaced by C.
Molecular consequence: 3 prime UTR variant. On other transcripts: non-coding transcript variant (1).
Genome position (GRCh38, 1-based): chr2:61,826,155, A>G on the plus strand (T>C on the coding strand, the complement: FAM161A is on the minus strand). VCF-style: chr2-61826155-A-G. GRCh37 (hg19) VCF-style: chr2-62053290-A-G.
Other names: c.*300T>C (NM_032180.3).
Identifiers: ClinVar variation 336727 (VCV000336727.6), dbSNP rs6748320, ClinGen allele CA1678899.

ClinVar aggregate classification (germline): Benign. Review status: criteria provided, multiple submitters, no conflicts (2 of 4 stars). 2 submissions from 2 submitters: Benign (2). Last evaluated 2018-01-13.

Conditions:
Retinitis pigmentosa (RP). Identifiers: Orphanet 791, MedGen C0035334, MeSH D012174, MONDO:0019200, OMIM 268000. Inheritance: Autosomal dominant, autosomal recessive and X linked inheritance.

Allele frequency attached by ClinVar (database versions not stated): gnomAD 0.37525 and 0.38335; TOPMed 0.38513; gnomAD exomes 0.39014 and 0.42049; ExAC 0.39967; 1000 Genomes Project 30x 0.47439; 1000 Genomes Project 0.47604.
gnomAD v4.1: 205,682 of 531,014 alleles (39%); highest among the groups gnomAD compares: East Asian, 68%; 42,304 homozygotes.

Submissions (2):

Illumina Laboratory Services, Illumina
Classification: Benign for Retinitis pigmentosa. Last evaluated: 2018-01-13. Review status: criteria provided, single submitter. Criteria: ICSL Variant Classification Criteria 13 December 2019. Collection method: clinical testing. Allele origin: germline.
Comment: This variant was observed in the ICSL laboratory as part of a predisposition screen in an ostensibly healthy population. It had not been previously curated by ICSL or reported in the Human Gene Mutation Database (HGMD: prior to June 1st, 2018), and was therefore a candidate for classification through an automated scoring system. Utilizing variant allele frequency, disease prevalence and penetrance estimates, and inheritance mode, an automated score was calculated to assess if this variant is too frequent to cause the disease. Based on the score and internal cut-off values, a variant classified as benign is not then subjected to further curation. The score for this variant resulted in a classification of benign for this disease.

Breakthrough Genomics
Classification: Benign. Review status: criteria provided, single submitter. Criteria: ACMG Guidelines, 2015. Collection method: not provided. Allele origin: germline. Inheritance: Unknown mechanism. Affected: yes.